The following is an entry in ClinVar:

NM_014874.4(MFN2):c.1136T>C (p.Leu379Pro)

Gene: MFN2 (mitofusin 2; plus strand). Cytogenetic location: 1p36.22.
Variant type: single nucleotide variant.
Coding change: c.1136T>C on transcript NM_014874.4 (MANE Select); coding-DNA position 1136, T replaced by C.
Protein change: p.Leu379Pro; replaces leucine 379 with proline.
Molecular consequence: missense variant.
Genome position (GRCh38, 1-based): chr1:12,002,079, T>C. VCF-style: chr1-12002079-T-C. GRCh37 (hg19) VCF-style: chr1-12062136-T-C.
Other names: c.1136T>C, p.Leu379Pro (NM_001127660.2); c.1136T>C (NM_014874.3); short protein forms L379P.
Identifiers: ClinVar variation 424889 (VCV000424889.47), dbSNP rs1064797107, ClinGen allele CA16621558.

ClinVar aggregate classification (germline): Conflicting classifications of pathogenicity. Review status: criteria provided, conflicting classifications (1 of 4 stars). 3 submissions from 3 submitters: Likely pathogenic (1); Uncertain significance (2). Last evaluated 2024-09-24.

Conditions:
Charcot-Marie-Tooth disease type 2. Also called: Charcot-Marie-Tooth type 2. Identifiers: Orphanet 64746, MedGen C0270914, MONDO:0018993.

Submissions (3):

GeneDx
Classification: Likely pathogenic. Last evaluated: 2024-09-24. Review status: criteria provided, single submitter. Criteria: GeneDx Variant Classification Process June 2021. Collection method: clinical testing. Allele origin: germline. Affected: yes.
Comment: Not observed at significant frequency in large population cohorts (gnomAD); In silico analysis supports that this missense variant has a deleterious effect on protein structure/function; This variant is associated with the following publications: (PMID: 33415332)

Labcorp Genetics (formerly Invitae), Labcorp
Classification: Uncertain significance for Charcot-Marie-Tooth disease type 2. Last evaluated: 2023-11-03. Review status: criteria provided, single submitter. Criteria: Invitae Variant Classification Sherloc (09022015). Collection method: clinical testing. Allele origin: germline.
Comment: This sequence change replaces leucine, which is neutral and non-polar, with proline, which is neutral and non-polar, at codon 379 of the MFN2 protein (p.Leu379Pro). This variant is not present in population databases (gnomAD no frequency). This missense change has been observed in individual(s) with Charcot-Marie-Tooth disease type 2A (PMID: 33415332). ClinVar contains an entry for this variant (Variation ID: 424889). Advanced modeling of protein sequence and biophysical properties (such as structural, functional, and spatial information, amino acid conservation, physicochemical variation, residue mobility, and thermodynamic stability) has been performed at Invitae for this missense variant, however the output from this modeling did not meet the statistical confidence thresholds required to predict the impact of this variant on MFN2 protein function. In summary, the available evidence is currently insufficient to determine the role of this variant in disease. Therefore, it has been classified as a Variant of Uncertain Significance.

CeGaT Center for Human Genetics Tuebingen
Classification: Uncertain significance. Last evaluated: 2017-04-01. Review status: criteria provided, single submitter. Criteria: CeGaT Center For Human Genetics Tuebingen Variant Classification Criteria Version 2. Collection method: clinical testing. Allele origin: germline. Affected: yes. Observed: 2 variant alleles.

Literature cited by the submitters: PubMed 33415332 (cited by Labcorp Genetics (formerly Invitae), Labcorp).